The following is an entry in ClinVar:

ClinVar aggregate classification (germline): Uncertain significance (1 of 4 stars; one submission).

Allele frequency attached by ClinVar (database versions not stated): gnomAD 0.00001; gnomAD exomes 0.00001; ExAC 0.00003.
gnomAD v4.1: 11 of 1,613,170 alleles (0.00068%); highest among the groups gnomAD compares: South Asian, 0.012%; no homozygotes.

Submission:

Labcorp Genetics (formerly Invitae), Labcorp
Classification: Uncertain significance. Last evaluated: 2024-01-29. Review status: criteria provided, single submitter. Criteria: Invitae Variant Classification Sherloc (09022015). Collection method: clinical testing. Allele origin: germline.
Comment: This sequence change replaces glycine, which is neutral and non-polar, with serine, which is neutral and polar, at codon 498 of the CSF2RB protein (p.Gly498Ser). This variant is present in population databases (rs779673786, gnomAD 0.02%). This variant has not been reported in the literature in individuals affected with CSF2RB-related conditions. ClinVar contains an entry for this variant (Variation ID: 1900299). Advanced modeling of protein sequence and biophysical properties (such as structural, functional, and spatial information, amino acid conservation, physicochemical variation, residue mobility, and thermodynamic stability) performed at Invitae indicates that this missense variant is not expected to disrupt CSF2RB protein function with a negative predictive value of 80%. In summary, the available evidence is currently insufficient to determine the role of this variant in disease. Therefore, it has been classified as a Variant of Uncertain Significance.

NM_000395.3(CSF2RB):c.1492G>A (p.Gly498Ser)

Gene: CSF2RB (colony stimulating factor 2 receptor subunit beta; plus strand). Cytogenetic location: 22q12.3.
Variant type: single nucleotide variant.
Coding change: c.1492G>A on transcript NM_000395.3 (MANE Select); coding-DNA position 1492, G replaced by A.
Protein change: p.Gly498Ser; replaces glycine 498 with serine.
Molecular consequence: missense variant.
Genome position (GRCh38, 1-based): chr22:36,936,576, G>A. VCF-style: chr22-36936576-G-A. GRCh37 (hg19) VCF-style: chr22-37332618-G-A.
Other names: c.1510G>A, p.Gly504Ser (NM_001410827.1); short protein forms G498S, G504S.
Identifiers: ClinVar variation 1900299 (VCV001900299.5), dbSNP rs779673786, ClinGen allele CA10213899.